The following is an entry in ClinVar:

ClinVar aggregate classification (germline): Benign/Likely benign. Review status: criteria provided, multiple submitters, no conflicts (2 of 4 stars). 3 submissions from 3 submitters: Benign (1); Likely benign (2). Last evaluated 2025-03-14.

Conditions:
Pheochromocytoma/paraganglioma syndrome 3. Also called: Paragangliomas 3; SDHC-Related Hereditary Paraganglioma-Pheochromocytoma Syndrome (Paragangliomas 3); SDHC-Related Hereditary Paraganglioma-Pheochromocytoma Syndrome; GLOMUS TUMORS, FAMILIAL, 3. Identifiers: Orphanet 29072, MedGen C1854336, MONDO:0011544, OMIM 605373.
Gastrointestinal stromal tumor. Also called: Gastrointestinal stroma tumor; Gastrointestinal stromal tumor, somatic. Identifiers: Orphanet 44890, MedGen C0238198, MeSH D046152, MONDO:0011719, OMIM 606764, HP:0100723.
Hereditary cancer-predisposing syndrome. Also called: Neoplastic Syndromes, Hereditary; Hereditary Cancer Syndrome; Hereditary neoplastic syndrome; Tumor predisposition. Identifiers: Orphanet 140162, MedGen C0027672, MeSH D009386, MONDO:0015356.

Submissions (3):

Myriad Genetics, Inc.
Classification: Benign for Pheochromocytoma/paraganglioma syndrome 3. Last evaluated: 2025-03-14. Review status: criteria provided, single submitter. Criteria: Myriad Autosomal Dominant, Autosomal Recessive and X-Linked Classification Criteria (2023). Collection method: clinical testing. Allele origin: unknown.
Comment: This variant is considered benign. This variant is a silent/synonymous amino acid change and it is not expected to impact splicing.

Labcorp Genetics (formerly Invitae), Labcorp
Classification: Likely benign for Pheochromocytoma/paraganglioma syndrome 3; Gastrointestinal stromal tumor. Last evaluated: 2022-09-20. Review status: criteria provided, single submitter. Criteria: Invitae Variant Classification Sherloc (09022015). Collection method: clinical testing. Allele origin: germline.

Ambry Genetics
Classification: Likely benign for Hereditary cancer-predisposing syndrome. Last evaluated: 2022-06-09. Review status: criteria provided, single submitter. Criteria: Ambry Variant Classification Scheme 2023. Collection method: clinical testing. Allele origin: germline.

NM_003001.5(SDHC):c.322C>T (p.Leu108=)

Gene: SDHC (succinate dehydrogenase complex subunit C; plus strand). Cytogenetic location: 1q23.3.
Variant type: single nucleotide variant.
Coding change: c.322C>T on transcript NM_003001.5 (MANE Select); coding-DNA position 322, C replaced by T.
Protein change: p.Leu108=; no amino-acid change (leucine 108 retained).
Molecular consequence: synonymous variant. On other transcripts: non-coding transcript variant (1), intron variant (3).
Genome position (GRCh38, 1-based): chr1:161,356,757, C>T. VCF-style: chr1-161356757-C-T. GRCh37 (hg19) VCF-style: chr1-161326547-C-T.
Other names: c.220C>T, p.Leu74= (NM_001035512.3); c.163C>T, p.Leu55= (NM_001035513.3); c.442C>T, p.Leu148= (NM_001407115.1); c.265C>T, p.Leu89= (NM_001407116.1); c.259C>T, p.Leu87= (NM_001407117.1); c.214C>T, p.Leu72= (NM_001407118.1); c.211C>T, p.Leu71= (NM_001407119.1, NM_001407120.1); c.242-5572C>T (NM_001035511.3); and 2 more.
Identifiers: ClinVar variation 1121242 (VCV001121242.11), dbSNP rs2102370841, ClinGen allele CA421501051.